The following is an entry in ClinVar:

ClinVar aggregate classification (germline): Uncertain significance (1 of 4 stars; one submission).

Conditions:
GNAS-related disorder. Identifiers: MedGen CN380105.

Submission:

PreventionGenetics, part of Exact Sciences
Classification: Uncertain significance for GNAS-related condition. Last evaluated: 2025-03-06. Review status: criteria provided, single submitter. Criteria: ACMG Guidelines, 2015. Collection method: clinical testing. Allele origin: germline.
Comment: The GNAS c.339C>A variant is predicted to result in the amino acid substitution p.Ser113Arg. In the primary transcript listed in the Human Gene Mutation Database (NM_000516.7), this variant is pre-coding (c.-51282C>A). To our knowledge, this variant has not been reported in the literature or in a large population database (gnomAD), indicating this variant is rare. At this time, the clinical significance of this variant is uncertain due to the absence of conclusive functional and genetic evidence.

NM_016592.5(GNAS):c.339C>A (p.Ser113Arg)

Genes: GNAS (GNAS complex locus; plus strand), GNAS-AS1 (GNAS antisense RNA 1; minus strand). Cytogenetic location: 20q13.32.
Variant type: single nucleotide variant.
Coding change: c.339C>A on transcript NM_016592.5 (MANE Plus Clinical); coding-DNA position 339, C replaced by A.
Protein change: p.Ser113Arg; replaces serine 113 with arginine.
Molecular consequence: missense variant. On other transcripts: 5 prime UTR variant (1).
Genome position (GRCh38, 1-based): chr20:58,840,445, C>A. VCF-style: chr20-58840445-C-A. GRCh37 (hg19) VCF-style: chr20-57415500-C-A.
Other names: c.-399C>A (NM_001410912.1); short protein forms S113R.
Identifiers: ClinVar variation 4999666 (VCV004999666.1).
Genomic context (GRCh38, chr20:58,840,445, plus strand): 5'-TGAGCTGTCCCTCCCCGAGTGCCTAGAGTACGAGGAAGAGTTCGACTACGAGACCGAGAG[C>A]GAGACCGAGTCCGAAATCGAGTCCGAGACCGACTTCGAGACCGAGCCTGAGACCGCCCCC-3'
Protein context (NP_057676.1, residues 103-123): YEEEFDYETE[Ser113Arg]ETESEIESET